The following is an entry in ClinVar:

NM_001371928.1(AHDC1):c.2937C>G (p.Ser979Arg)

Gene: AHDC1 (AT-hook DNA binding motif containing 1; minus strand). Cytogenetic location: 1p36.11.
Variant type: single nucleotide variant.
Coding change: c.2937C>G on transcript NM_001371928.1 (MANE Select); coding-DNA position 2937, C replaced by G.
Protein change: p.Ser979Arg; replaces serine 979 with arginine.
Molecular consequence: missense variant.
Genome position (GRCh38, 1-based): chr1:27,549,179, G>C on the plus strand (C>G on the coding strand, the complement: AHDC1 is on the minus strand). VCF-style: chr1-27549179-G-C. GRCh37 (hg19) VCF-style: chr1-27875690-G-C.
Other names: c.2937C>G, p.Ser979Arg (NM_001029882.3); short protein forms S979R.
Identifiers: ClinVar variation 4881824 (VCV004881824.2).

ClinVar aggregate classification (germline): Uncertain significance (1 of 4 stars; one submission).

Submission:

Dasa
Classification: Uncertain significance. Last evaluated: 2025-01-06. Review status: criteria provided, single submitter. Criteria: DASA Assertion Criteria. Collection method: clinical testing. Allele origin: germline.
Comment: NM_001371928.1(AHDC1):c.2937C>G (p.Ser979Arg) is a missense variant that results in the substitution of serine with arginine. This variant is absent from population databases. Computational prediction algorithms are consistent with a benign effect. The currently available literature and clinical evidence are not sufficient to establish a definitive association between this variant and the reported condition. Therefore, this variant is classified as a variant of uncertain significance.